The following is an entry in ClinVar:

ClinVar aggregate classification (germline): Uncertain significance (1 of 4 stars; one submission).

Conditions:
Alstrom syndrome (ALMS). Identifiers: Orphanet 64, MedGen C0268425, MONDO:0008763, OMIM 203800.

Submission:

Labcorp Genetics (formerly Invitae), Labcorp
Classification: Uncertain significance for Alstrom syndrome. Last evaluated: 2025-05-01. Review status: criteria provided, single submitter. Criteria: Invitae Variant Classification Sherloc (09022015). Collection method: clinical testing. Allele origin: germline.
Comment: This sequence change replaces tyrosine, which is neutral and polar, with serine, which is neutral and polar, at codon 1862 of the ALMS1 protein (p.Tyr1862Ser). This variant is not present in population databases (gnomAD no frequency). This variant has not been reported in the literature in individuals affected with ALMS1-related conditions. Experimental studies and prediction algorithms are not available or were not evaluated, and the functional significance of this variant is currently unknown. In summary, the available evidence is currently insufficient to determine the role of this variant in disease. Therefore, it has been classified as a Variant of Uncertain Significance.

NM_001378454.1(ALMS1):c.5582A>C (p.Tyr1861Ser)

Gene: ALMS1 (ALMS1 centrosome and basal body associated protein; plus strand). Cytogenetic location: 2p13.1.
Variant type: single nucleotide variant.
Coding change: c.5582A>C on transcript NM_001378454.1 (MANE Select); coding-DNA position 5582, A replaced by C.
Protein change: p.Tyr1861Ser; replaces tyrosine 1861 with serine.
Molecular consequence: missense variant.
Genome position (GRCh38, 1-based): chr2:73,452,109, A>C. VCF-style: chr2-73452109-A-C. GRCh37 (hg19) VCF-style: chr2-73679236-A-C.
Other names: c.5585A>C, p.Tyr1862Ser (NM_015120.4); short protein forms Y1861S, Y1862S.
Identifiers: ClinVar variation 4772726 (VCV004772726.1).
Genomic context (GRCh38, chr2:73,452,109, plus strand): 5'-CTGGAATAAACATCCTGCCCTCTAATTCCTACCCACAGAGAGAGCACTCTGTCATTTCTT[A>C]TGAGCAGGAGTTGCCAGATCTTACTGAAGTAACTTTGAAAGCAATAGGGGTTCCTGGGCC-3'
Protein context (NP_001365383.1, residues 1851-1871): YPQREHSVIS[Tyr1861Ser]EQELPDLTEV